The following is an entry in ClinVar:

NM_004304.5(ALK):c.3287_3292del (p.Tyr1096_Cys1097del)

Gene: ALK (ALK receptor tyrosine kinase; minus strand). Cytogenetic location: 2p23.2.
Variant type: Deletion.
Coding change: c.3287_3292del on transcript NM_004304.5 (MANE Select); coding-DNA positions 3287 to 3292, 6 bases deleted (ACTGCT; older notation c.3287_3292delACTGCT).
Protein change: p.Tyr1096_Cys1097del.
Molecular consequence: inframe deletion.
Genome position (GRCh38, 1-based): chr2:29,223,409-29,223,414, AGCAGT deleted on the plus strand (ACTGCT on the coding strand, the reverse complement: ALK is on the minus strand); deleting any 6 consecutive bases within chr2:29,223,409-29,223,416 gives the same sequence; the c. name uses the placement nearest the transcript's 3' end. VCF-style (leftmost placement, unchanged base first): chr2-29223408-AAGCAGT-A. GRCh37 (hg19) VCF-style: chr2-29446274-AAGCAGT-A.
Other names: c.3287_3292delACTGCT (NM_004304.4); c.83_88del, p.Tyr28_Cys29del (NM_001353765.2).
Identifiers: ClinVar variation 2185716 (VCV002185716.5), dbSNP rs776101205, ClinGen allele CA1594014.

ClinVar aggregate classification (germline): Uncertain significance. Review status: criteria provided, multiple submitters, no conflicts (2 of 4 stars). 2 submissions from 2 submitters: Uncertain significance (2). Last evaluated 2026-06-03.

Conditions:
Hereditary cancer-predisposing syndrome. Also called: Tumor predisposition; Hereditary Cancer Syndrome; Hereditary neoplastic syndrome; Neoplastic Syndromes, Hereditary. Identifiers: Orphanet 140162, MedGen C0027672, MeSH D009386, MONDO:0015356.
Neuroblastoma, susceptibility to, 3. Also called: ALK-Related Neuroblastic Tumor Susceptibility. Identifiers: Orphanet 635, MedGen C2751681, MONDO:0013083, OMIM 613014.

Submissions (2):

Ambry Genetics
Classification: Uncertain significance for Hereditary cancer-predisposing syndrome. Last evaluated: 2026-06-03. Review status: criteria provided, single submitter. Criteria: Ambry Variant Classification Scheme 2023. Collection method: clinical testing. Allele origin: germline.
Comment: The c.3287_3292delACTGCT variant (also known as p.Y1096_C1097del) is located in coding exon 20 of the ALK gene. This variant results from an in-frame ACTGCT deletion at nucleotide positions 3287 to 3292. This results in the in-frame deletion of YC residues at codons 1096 to 1097. This amino acid region is highly conserved in available vertebrate species. In addition, this variant is predicted to be deleterious by in silico analysis (Choi Y et al. PLoS ONE. 2012; 7(10):e46688). Based on the available evidence, the clinical significance of this variant remains unclear.

Labcorp Genetics (formerly Invitae), Labcorp
Classification: Uncertain significance for Neuroblastoma, susceptibility to, 3. Last evaluated: 2022-05-18. Review status: criteria provided, single submitter. Criteria: Invitae Variant Classification Sherloc (09022015). Collection method: clinical testing. Allele origin: germline.
Comment: Experimental studies and prediction algorithms are not available or were not evaluated, and the functional significance of this variant is currently unknown. This variant has not been reported in the literature in individuals affected with ALK-related conditions. This variant is present in population databases (rs776101205, gnomAD 0.003%). This variant, c.3287_3292del, results in the deletion of 2 amino acid(s) of the ALK protein (p.Tyr1096_Cys1097del), but otherwise preserves the integrity of the reading frame. In summary, the available evidence is currently insufficient to determine the role of this variant in disease. Therefore, it has been classified as a Variant of Uncertain Significance.